The following is an entry in ClinVar:

NM_000051.4(ATM):c.1150T>C (p.Cys384Arg)

Gene: ATM (ATM serine/threonine kinase; plus strand). Cytogenetic location: 11q22.3.
Variant type: single nucleotide variant.
Coding change: c.1150T>C on transcript NM_000051.4 (MANE Select); coding-DNA position 1150, T replaced by C.
Protein change: p.Cys384Arg; replaces cysteine 384 with arginine.
Molecular consequence: missense variant.
Genome position (GRCh38, 1-based): chr11:108,249,017, T>C. VCF-style: chr11-108249017-T-C. GRCh37 (hg19) VCF-style: chr11-108119744-T-C.
Other names: c.1150T>C, p.Cys384Arg (NM_001351834.2); short protein forms C384R.
Identifiers: ClinVar variation 3232034 (VCV003232034.1), dbSNP rs2135293079, ClinGen allele CA382532486.
Genomic context (GRCh38, chr11:108,249,017, plus strand): 5'-TTGGAGATTTCTCAATCTTACACTACTACACAAAGAGAATCTAGTGATTACAGTGTCCCT[T>C]GCAAAAGGAAGAAAATAGAACTAGGCTGGGAAGTAATAAAAGATCACCTTCAGAAGTCAC-3'
Protein context (NP_000042.3, residues 374-394): QRESSDYSVP[Cys384Arg]KRKKIELGWE

ClinVar aggregate classification (germline): Uncertain significance (1 of 4 stars; one submission).

Conditions:
Hereditary cancer-predisposing syndrome. Also called: Neoplastic Syndromes, Hereditary; Tumor predisposition; Hereditary neoplastic syndrome; Hereditary Cancer Syndrome. Identifiers: Orphanet 140162, MedGen C0027672, MeSH D009386, MONDO:0015356.

Submission:

Ambry Genetics
Classification: Uncertain significance for Hereditary cancer-predisposing syndrome. Last evaluated: 2023-10-08. Review status: criteria provided, single submitter. Criteria: Ambry Variant Classification Scheme 2023. Collection method: clinical testing. Allele origin: germline.
Comment: The p.C384R variant (also known as c.1150T>C), located in coding exon 8 of the ATM gene, results from a T to C substitution at nucleotide position 1150. The cysteine at codon 384 is replaced by arginine, an amino acid with highly dissimilar properties. This amino acid position is conserved. In addition, this alteration is predicted to be tolerated by in silico analysis. Since supporting evidence is limited at this time, the clinical significance of this alteration remains unclear.